The following is an entry in ClinVar:

ClinVar aggregate classification (germline): Uncertain significance. Review status: criteria provided, multiple submitters, no conflicts (2 of 4 stars). 2 submissions from 2 submitters: Uncertain significance (2). Last evaluated 2024-05-13.

Allele frequency attached by ClinVar (database versions not stated): ExAC 0.00006; TOPMed 0.00006; gnomAD 0.00007; gnomAD exomes 0.00010; ESP Exome Variant Server 0.00023.
gnomAD v4.1: 177 of 1,613,100 alleles (0.011%); highest among the groups gnomAD compares: Non-Finnish European, 0.013%; no homozygotes.

Submissions (2):

Blueprint Genetics
Classification: Uncertain significance. Last evaluated: 2024-05-13. Review status: criteria provided, single submitter. Criteria: ACMG Guidelines, 2015. Collection method: clinical testing. Allele origin: germline.

Labcorp Genetics (formerly Invitae), Labcorp
Classification: Uncertain significance. Last evaluated: 2022-05-27. Review status: criteria provided, single submitter. Criteria: Invitae Variant Classification Sherloc (09022015). Collection method: clinical testing. Allele origin: germline.
Comment: This sequence change replaces arginine, which is basic and polar, with cysteine, which is neutral and slightly polar, at codon 66 of the ADAMTSL4 protein (p.Arg66Cys). This variant is present in population databases (rs374443010, gnomAD 0.01%). This variant has not been reported in the literature in individuals affected with ADAMTSL4-related conditions. Algorithms developed to predict the effect of missense changes on protein structure and function (SIFT, PolyPhen-2, Align-GVGD) all suggest that this variant is likely to be disruptive. In summary, the available evidence is currently insufficient to determine the role of this variant in disease. Therefore, it has been classified as a Variant of Uncertain Significance.

NM_019032.6(ADAMTSL4):c.196C>T (p.Arg66Cys)

Genes: ADAMTSL4 (ADAMTS like 4; plus strand), ADAMTSL4-AS2 (ADAMTSL4 antisense RNA 2; minus strand). Cytogenetic location: 1q21.2.
Variant type: single nucleotide variant.
Coding change: c.196C>T on transcript NM_019032.6 (MANE Select); coding-DNA position 196, C replaced by T.
Protein change: p.Arg66Cys; replaces arginine 66 with cysteine.
Molecular consequence: missense variant.
Genome position (GRCh38, 1-based): chr1:150,553,015, C>T. VCF-style: chr1-150553015-C-T. GRCh37 (hg19) VCF-style: chr1-150525491-C-T.
Other names: c.196C>T, p.Arg66Cys (NM_001288607.2, NM_001288608.2, NM_001378596.1 and 1 more transcripts); short protein forms R66C.
Identifiers: ClinVar variation 2080708 (VCV002080708.2), dbSNP rs374443010, ClinGen allele CA1077895.